The following is an entry in ClinVar:

NM_000726.5(CACNB4):c.*865G>A

Gene: CACNB4 (calcium voltage-gated channel auxiliary subunit beta 4; minus strand). Cytogenetic location: 2q23.3.
Variant type: single nucleotide variant.
Coding change: c.*865G>A on transcript NM_000726.5 (MANE Select); 865 bases downstream of the stop codon, G replaced by A.
Molecular consequence: 3 prime UTR variant.
Genome position (GRCh38, 1-based): chr2:151,838,254, C>T on the plus strand (G>A on the coding strand, the complement: CACNB4 is on the minus strand). VCF-style: chr2-151838254-C-T. GRCh37 (hg19) VCF-style: chr2-152694768-C-T.
Other names: c.*865G>A (NM_001330117.2, NM_001330118.2, NM_001005746.4 and 7 more transcripts).
Identifiers: ClinVar variation 331615 (VCV000331615.6), dbSNP rs75365487, ClinGen allele CA10612588.
Genomic context (GRCh38, chr2:151,838,254, plus strand): 5'-CTGACTTCAGATTCCTGGATGTATGTAGTTGTGCTCAGATTGATTAAAGGGAGAACAACA[C>T]CCCATTTTATATTTCACATAACCAGCTATGCTTGGGCCTCTCTTTACTATTCTCTCTCAC-3'

ClinVar aggregate classification (germline): Benign (1 of 4 stars; one submission).

Conditions:
Episodic ataxia type 5. Identifiers: Orphanet 211067, MedGen C1866039, MONDO:0013464, OMIM 613855.

Allele frequency attached by ClinVar (database versions not stated): 1000 Genomes Project 0.00319; 1000 Genomes Project 30x 0.00390; gnomAD exomes 0.00698; gnomAD 0.00969 and 0.00988; TOPMed 0.00985.
gnomAD v4.1: 1,468 of 152,652 alleles (0.96%); highest among the groups gnomAD compares: Non-Finnish European, 1.7%; 14 homozygotes.

Submission:

Illumina Laboratory Services, Illumina
Classification: Benign for Episodic ataxia type 5. Last evaluated: 2018-01-12. Review status: criteria provided, single submitter. Criteria: ICSL Variant Classification Criteria 13 December 2019. Collection method: clinical testing. Allele origin: germline.
Comment: This variant was observed in the ICSL laboratory as part of a predisposition screen in an ostensibly healthy population. It had not been previously curated by ICSL or reported in the Human Gene Mutation Database (HGMD: prior to June 1st, 2018), and was therefore a candidate for classification through an automated scoring system. Utilizing variant allele frequency, disease prevalence and penetrance estimates, and inheritance mode, an automated score was calculated to assess if this variant is too frequent to cause the disease. Based on the score and internal cut-off values, a variant classified as benign is not then subjected to further curation. The score for this variant resulted in a classification of benign for this disease.